The following is an entry in ClinVar:

ClinVar aggregate classification (germline): Likely pathogenic. Review status: reviewed by expert panel (3 of 4 stars). 13 submissions from 13 submitters: Likely pathogenic (1). 12 of the submissions do not count toward it. Last evaluated 2025-08-01.

Conditions:
RYR1-related disorder. Also called: RYR1-related disorders; RYR1-related condition. Identifiers: MedGen CN239331.
Malignant hyperthermia of anesthesia. Also called: Anesthesic-triggered malignant hyperthermia. Identifiers: Orphanet 423, MedGen C0024591, MONDO:0018493, HP:0034733.
Central core myopathy (CMYO1A). Also called: CONGENITAL MYOPATHY 1A, AUTOSOMAL DOMINANT, WITH SUSCEPTIBILITY TO MALIGNANT HYPERTHERMIA; Central core disease; Myopathy, central fibrillar. Identifiers: Orphanet 597, MedGen C5830701, MONDO:0007294, OMIM 117000.
Malignant hyperthermia, susceptibility to, 1 (MHS1). Also called: Malignant hyperthermia suceptibility 1; Anesthesia related hyperthermia; Malignant hyperpyrexia; Fulminating hyperpyrexia; Pharmacogenic myopathy; RYR1-Related Malignant Hyperthermia Susceptibility. Identifiers: Orphanet 423, MedGen C2930980, MONDO:0007783, OMIM 145600.

Allele frequency attached by ClinVar (database versions not stated): gnomAD 0.00002; TOPMed 0.00005.
gnomAD v4.1: 79 of 1,613,848 alleles (0.0049%); highest among the groups gnomAD compares: East Asian, 0.0067%; no homozygotes.

Submissions 1 to 7 of 13:

ClinGen Malignant Hyperthermia Susceptibility Variant Curation Expert Panel, ClinGen
Classification: Likely pathogenic for Malignant hyperthermia, susceptibility to, 1. Last evaluated: 2025-08-01. Review status: reviewed by expert panel. Criteria: RYR1-MHS Interpretation Guidelines V2. Collection method: curation. Allele origin: germline. Inheritance: Autosomal dominant inheritance.
Comment: This pathogenicity assessment is relevant only for malignant hyperthermia susceptibility (MHS) inherited in an autosomal dominant pattern. Variants in RYR1 can also cause other myopathies inherited in an autosomal dominant pattern or in an autosomal recessive pattern. Some of these disorders may predispose individuals to malignant hyperthermia. RYR1 variants may also contribute to a malignant hyperthermia reaction in combination with other genetic and non-genetic factors and the clinician needs to consider such factors in making management decisions. This sequence variant predicts a substitution of alanine with valine at codon 2200 of the RYR1 protein, p.Ala2200Val. The maximum allele frequency for this variant among the six major gnomAD populations is EAS: 0.00015, a frequency consistent with pathogenicity for MHS. This variant has been reported in five unrelated individuals who have a personal or family history of a malignant hyperthermia reaction, four of these individuals had a positive in vitro contracture test (IVCT) or caffeine halothane contracture test (CHCT) result (if the proband was unavailable for testing, a positive diagnostic test result in a mutation-positive relative was counted), apply PS4_Moderate (PMID:15731587, PMID:21455645, PMID:30236257, Prevention Genetics, MH Investigation Unit (MHIU), UHN, Toronto). No functional studies were identified for this variant. This variant resides in a region of RYR1 considered to be a hotspot for pathogenic variants that contribute to MHS, PM1 (PMID: 21118704). This variant segregates with MHS in 6 individuals (PMID:21455645, PMID:16835904, personal communication). A REVEL score of 0.564 supports neither a pathogenic nor a benign status for this variant. This variant has been classified as a Likely Pathogenic. Criteria implemented: PS4_Moderate, PM1, PP1_Moderate.

OLLIN Analises Genomicas, OLLIN
Classification: Likely pathogenic for Central core myopathy. Last evaluated: 2026-08-06. Review status: criteria provided, single submitter. Criteria: ACMG Guidelines 2015 PMID 25741868. Collection method: clinical testing. Allele origin: germline. Inheritance: Autosomal dominant inheritance. Not counted in ClinVar's aggregate classification.
Comment: This missense variant, located in exon 40 (of 106), has been reported in ClinVar (accession VCV000891882.4), in gnomAD with an allele frequency of 0.0049%, and in the scientific literature, segregating with the phenotype, in individuals with RYR1 related disorders (PMID: 15731587, 21455645, 30236257, 21118704, 16835904). In silico analysis is inconclusive regarding the impact of this variant. This variant is located in a region considered to be a mutational hotspot (PMID: 21118704). According to the currently available evidence, this variant has been classified as likely pathogenic (PS4_M, PM1, PP1_M).

3billion
Classification: Likely pathogenic for RYR1-related disorder. Last evaluated: 2026-01-28. Review status: criteria provided, single submitter. Criteria: ACMG Guidelines, 2015. Collection method: clinical testing. Allele origin: germline. Affected: yes. Not counted in ClinVar's aggregate classification.
Comment: The variant is observed at an extremely low frequency in the gnomAD v4.1.0 dataset (total allele frequency: 0.005%). Predicted Consequence/Location: The variant is located in a mutational hot spot and/or well-established functional domain in which established pathogenic variants have been reported (PMID: 33767344). In silico tool predictions suggest damaging effect of the variant on gene or gene product [REVEL: 0.56 (>=0.6, sensitivity 0.68 and specificity 0.92); 3Cnet: 0.96 (> 0.75, sensitivity 0.96 and precision 0.92)]. The variant has been observed in at least two similarly affected unrelated individuals (PMID: 15731587, 21455645). Therefore, this variant is classified as Likely pathogenic according to the recommendation of ACMG/AMP guideline.

GeneDx
Classification: Uncertain significance. Last evaluated: 2025-12-12. Review status: criteria provided, single submitter. Criteria: GeneDx Variant Classification Process June 2021. Collection method: clinical testing. Allele origin: germline. Affected: yes. Not counted in ClinVar's aggregate classification.
Comment: Identified in unrelated patients with malignant hyperthermia susceptibility (MHS) confirmed by caffeine-halothane contracture testing (CHCT) (PMID: 15731587, 16835904, 21455645); Identified in a patient with a clinical malignant hyperthermia episode with an equivocal in vitro muscle contracture test (IVCT) (PMID: 24433488); Not observed at significant frequency in large population cohorts (gnomAD); In silico analysis suggests that this missense variant does not alter protein structure/function; This variant is associated with the following publications: (PMID: 30122538, 31517061, 16835904, 16917943, 21455645, 12668474, 33767344, 24433488, 15731587, 19191333, Hirade[paper]_2024, 36833224, 30236257)

CeGaT Center for Human Genetics Tuebingen
Classification: Uncertain significance. Last evaluated: 2025-12-01. Review status: criteria provided, single submitter. Criteria: CeGaT Center For Human Genetics Tuebingen Variant Classification Criteria Version 2. Collection method: clinical testing. Allele origin: germline. Affected: yes. Observed: 1 variant allele. Not counted in ClinVar's aggregate classification.
Comment: RYR1: PM1, PM2, PS4:Supporting

Labcorp Genetics (formerly Invitae), Labcorp
Classification: Pathogenic for RYR1-related disorder. Last evaluated: 2025-11-24. Review status: criteria provided, single submitter. Criteria: Invitae Variant Classification Sherloc (09022015). Collection method: clinical testing. Allele origin: germline. Not counted in ClinVar's aggregate classification.
Comment: This sequence change replaces alanine, which is neutral and non-polar, with valine, which is neutral and non-polar, at codon 2200 of the RYR1 protein (p.Ala2200Val). This variant is present in population databases (rs193922791, gnomAD 0.02%). This missense change has been observed in individual(s) with malignant hyperthermia susceptibility (PMID: 15731587, 16835904, 21455645). ClinVar contains an entry for this variant (Variation ID: 133162). Invitae Evidence Modeling of protein sequence and biophysical properties (such as structural, functional, and spatial information, amino acid conservation, physicochemical variation, residue mobility, and thermodynamic stability) indicates that this missense variant is not expected to disrupt RYR1 protein function with a negative predictive value of 80%. For these reasons, this variant has been classified as Pathogenic.

Women's Health and Genetics/Laboratory Corporation of America, LabCorp
Classification: Likely pathogenic for Malignant hyperthermia of anesthesia. Last evaluated: 2025-05-29. Review status: criteria provided, single submitter. Criteria: LabCorp Variant Classification Summary - May 2015. Collection method: clinical testing. Allele origin: germline. Not counted in ClinVar's aggregate classification.
Comment: Variant summary: RYR1 c.6599C>T (p.Ala2200Val) results in a non-conservative amino acid change in the encoded protein sequence. Algorithms developed to predict the effect of missense changes on protein structure and function are either unavailable or do not agree on the potential impact of this missense change. The variant allele was found at a frequency of 4e-05 in 251220 control chromosomes. This frequency is not significantly higher than estimated for a pathogenic variant in RYR1 causing Malignant Hyperthermia Susceptibility (4e-05 vs 8.8e-05), allowing no conclusion about variant significance. c.6599C>T has been observed in individuals affected with Malignant Hyperthermia Susceptibility with or without positive caffeine-halothane contracture test (Sambuughin_2025, Galli_2006, Kraeva_2011). These data indicate that the variant is likely to be associated with disease. To our knowledge, no experimental evidence demonstrating an impact on protein function has been reported. The following publications have been ascertained in the context of this evaluation (PMID: 36833224, 16835904, 21455645, 30236257, 31517061, 15731587, 19191333). ClinVar contains an entry for this variant (Variation ID: 133162). Based on the evidence outlined above, the variant was classified as likely pathogenic.

NM_000540.3(RYR1):c.6599C>T (p.Ala2200Val)

Gene: RYR1 (ryanodine receptor 1; plus strand). Cytogenetic location: 19q13.2.
Variant type: single nucleotide variant.
Coding change: c.6599C>T on transcript NM_000540.3 (MANE Select); coding-DNA position 6599, C replaced by T.
Protein change: p.Ala2200Val; replaces alanine 2200 with valine.
Molecular consequence: missense variant.
Genome position (GRCh38, 1-based): chr19:38,496,265, C>T. VCF-style: chr19-38496265-C-T. GRCh37 (hg19) VCF-style: chr19-38986905-C-T.
Other names: c.6599C>T, p.Ala2200Val (NM_001042723.2); c.6599C>T (NM_000540.2); short protein forms A2200V.
Identifiers: ClinVar variation 133162 (VCV000133162.35), dbSNP rs193922791, ClinGen allele CA024615.